The following is an entry in ClinVar:

NM_000494.4(COL17A1):c.187G>A (p.Gly63Ser)

Gene: COL17A1 (collagen type XVII alpha 1 chain; minus strand). Cytogenetic location: 10q25.1.
Variant type: single nucleotide variant.
Coding change: c.187G>A on transcript NM_000494.4 (MANE Select); coding-DNA position 187, G replaced by A.
Protein change: p.Gly63Ser; replaces glycine 63 with serine.
Molecular consequence: missense variant.
Genome position (GRCh38, 1-based): chr10:104,077,437, C>T on the plus strand (G>A on the coding strand, the complement: COL17A1 is on the minus strand). VCF-style: chr10-104077437-C-T. GRCh37 (hg19) VCF-style: chr10-105837195-C-T.
Other names: short protein forms G63S.
Identifiers: ClinVar variation 4703789 (VCV004703789.1).
Genomic context (GRCh38, chr10:104,077,437, plus strand): 5'-TTGTCACCCATTCTTCCCTGACCTCTTGCACTAGTGGGCACTCACTTGAGTTTATGTAGC[C>T]GCTGCTGCCATGAGTCAGGCTTTGTTTCTCCAGCCGGCTCCCTCCACCAAGAGAGGCTGT-3'
Protein context (NP_000485.3, residues 53-73): EKQSLTHGSS[Gly63Ser]YINSTGSTRG

ClinVar aggregate classification (germline): Uncertain significance (1 of 4 stars; one submission).

gnomAD v4.1: 38 of 1,612,632 alleles (0.0024%); highest among the groups gnomAD compares: South Asian, 0.011%; no homozygotes.

Submission:

Labcorp Genetics (formerly Invitae), Labcorp
Classification: Uncertain significance. Last evaluated: 2025-08-25. Review status: criteria provided, single submitter. Criteria: Invitae Variant Classification Sherloc (09022015). Collection method: clinical testing. Allele origin: germline.
Comment: This sequence change replaces glycine, which is neutral and non-polar, with serine, which is neutral and polar, at codon 63 of the COL17A1 protein (p.Gly63Ser). This variant is present in population databases (rs146043118, gnomAD 0.02%). This variant has not been reported in the literature in individuals affected with COL17A1-related conditions. An algorithm developed to predict the effect of missense changes on protein structure and function outputs the following: PolyPhen-2: "Not Available". The serine amino acid residue is found in multiple mammalian species, which suggests that this missense change does not adversely affect protein function. In summary, the available evidence is currently insufficient to determine the role of this variant in disease. Therefore, it has been classified as a Variant of Uncertain Significance.